The following is an entry in ClinVar:

ClinVar aggregate classification (germline): Likely benign. Review status: criteria provided, multiple submitters, no conflicts (2 of 4 stars). 3 submissions from 3 submitters: Likely benign (2). 1 of the submissions does not count toward it. Last evaluated 2025-08-04.

Conditions:
SLC17A8-related disorder. Also called: SLC17A8-related condition.

Allele frequency attached by ClinVar (database versions not stated): gnomAD exomes 0.00001 and 0.00005; gnomAD 0.00002; TOPMed 0.00004; ExAC 0.00006.
gnomAD v4.1: 16 of 1,597,366 alleles (0.001%); highest among the groups gnomAD compares: Admixed American, 0.025%; no homozygotes.

Submissions (3):

Labcorp Genetics (formerly Invitae), Labcorp
Classification: Likely benign. Last evaluated: 2025-08-04. Review status: criteria provided, single submitter. Criteria: Invitae Variant Classification Sherloc (09022015). Collection method: clinical testing. Allele origin: germline.

GeneDx
Classification: Likely benign. Last evaluated: 2021-01-19. Review status: criteria provided, single submitter. Criteria: GeneDx Variant Classification Process June 2021. Collection method: clinical testing. Allele origin: germline. Affected: yes.

PreventionGenetics, part of Exact Sciences
Classification: Likely benign for SLC17A8-related condition. Last evaluated: 2024-01-05. Review status: no assertion criteria provided. Collection method: clinical testing. Allele origin: germline. Not counted in ClinVar's aggregate classification.
Comment: This variant is classified as likely benign based on ACMG/AMP sequence variant interpretation guidelines (Richards et al. 2015 PMID: 25741868, with internal and published modifications).

NM_139319.3(SLC17A8):c.1187-10C>T

Gene: SLC17A8 (solute carrier family 17 member 8; plus strand). Cytogenetic location: 12q23.1.
Variant type: single nucleotide variant.
Coding change: c.1187-10C>T on transcript NM_139319.3 (MANE Select); 10 bases into the intron before coding-DNA position 1187, C replaced by T.
Molecular consequence: intron variant.
Genome position (GRCh38, 1-based): chr12:100,412,760, C>T. VCF-style: chr12-100412760-C-T. GRCh37 (hg19) VCF-style: chr12-100806538-C-T.
Other names: c.1037-10C>T (NM_001145288.2); c.1187-10C>T (NM_139319.2).
Identifiers: ClinVar variation 1189499 (VCV001189499.9), dbSNP rs768173927, ClinGen allele CA6738969.